The following is an entry in ClinVar:

NM_004438.5(EPHA4):c.2835C>A (p.His945Gln)

Gene: EPHA4 (EPH receptor A4; minus strand). Cytogenetic location: 2q36.1.
Variant type: single nucleotide variant.
Coding change: c.2835C>A on transcript NM_004438.5 (MANE Select); coding-DNA position 2835, C replaced by A.
Protein change: p.His945Gln; replaces histidine 945 with glutamine.
Molecular consequence: missense variant.
Genome position (GRCh38, 1-based): chr2:221,426,475, G>T on the plus strand (C>A on the coding strand, the complement: EPHA4 is on the minus strand). VCF-style: chr2-221426475-G-T. GRCh37 (hg19) VCF-style: chr2-222291195-G-T.
Other names: c.2835C>A, p.His945Gln (NM_001304536.2, NM_001363748.2); c.2682C>A, p.His894Gln (NM_001304537.2); short protein forms H945Q, H894Q.
Identifiers: ClinVar variation 1466102 (VCV001466102.8), dbSNP rs560424392, ClinGen allele CA350406225.
Genomic context (GRCh38, chr2:221,426,475, plus strand): 5'-ACTATTAAATCTAGATTTACCCTTTCGTGTTACATCGTTGAGTACTTACTCCTGGTTCAC[G>T]TGCACCACAGCCTCTAGTGTGGTATAACCAGCAGCTGTGAAGTTATCCTTATACCGGTCC-3'
Protein context (NP_004429.1, residues 935-955): AGYTTLEAVV[His945Gln]VNQEDLARIG

ClinVar aggregate classification (germline): Uncertain significance (1 of 4 stars; one submission).

Submission:

Labcorp Genetics (formerly Invitae), Labcorp
Classification: Uncertain significance. Last evaluated: 2021-05-16. Review status: criteria provided, single submitter. Criteria: Invitae Variant Classification Sherloc (09022015). Collection method: clinical testing. Allele origin: germline.
Comment: This variant is not present in population databases (ExAC no frequency). This sequence change replaces histidine with glutamine at codon 945 of the EPHA4 protein (p.His945Gln). The histidine residue is highly conserved and there is a small physicochemical difference between histidine and glutamine. This variant has not been reported in the literature in individuals with EPHA4-related conditions. In summary, the available evidence is currently insufficient to determine the role of this variant in disease. Therefore, it has been classified as a Variant of Uncertain Significance. Algorithms developed to predict the effect of missense changes on protein structure and function are either unavailable or do not agree on the potential impact of this missense change (SIFT: "Tolerated"; PolyPhen-2: "Probably Damaging"; Align-GVGD: "Class C0").